The following is an entry in ClinVar:

NM_052947.4(ALPK2):c.6040A>C (p.Ile2014Leu)

Gene: ALPK2 (alpha kinase 2; minus strand). Cytogenetic location: 18q21.31.
Variant type: single nucleotide variant.
Coding change: c.6040A>C on transcript NM_052947.4 (MANE Select); coding-DNA position 6040, A replaced by C.
Protein change: p.Ile2014Leu; replaces isoleucine 2014 with leucine.
Molecular consequence: missense variant.
Genome position (GRCh38, 1-based): chr18:58,504,138, T>G on the plus strand (A>C on the coding strand, the complement: ALPK2 is on the minus strand). VCF-style: chr18-58504138-T-G. GRCh37 (hg19) VCF-style: chr18-56171370-T-G.
Other names: short protein forms I2014L.
Identifiers: ClinVar variation 2449232 (VCV002449232.2), dbSNP rs756334025, ClinGen allele CA402544601.

ClinVar aggregate classification (germline): Uncertain significance (1 of 4 stars; one submission).

Allele frequency attached by ClinVar (database versions not stated): TOPMed below 0.00001.

Submission:

Ambry Genetics
Classification: Uncertain significance. Last evaluated: 2022-12-17. Review status: criteria provided, single submitter. Criteria: Ambry Variant Classification Scheme 2023. Collection method: clinical testing. Allele origin: germline.
Comment: The p.I2014L variant (also known as c.6040A>C), located in coding exon 10 of the ALPK2 gene, results from an A to C substitution at nucleotide position 6040. The isoleucine at codon 2014 is replaced by leucine, an amino acid with highly similar properties. This amino acid position is conserved. In addition, this alteration is predicted to be tolerated by in silico analysis. Since supporting evidence is limited at this time, the clinical significance of this alteration remains unclear.